The following is an entry in ClinVar:

NM_080680.3(COL11A2):c.2669C>T (p.Pro890Leu)

Gene: COL11A2 (collagen type XI alpha 2 chain; minus strand). Cytogenetic location: 6p21.32.
Variant type: single nucleotide variant.
Coding change: c.2669C>T on transcript NM_080680.3 (MANE Select); coding-DNA position 2669, C replaced by T.
Protein change: p.Pro890Leu; replaces proline 890 with leucine.
Molecular consequence: missense variant.
Genome position (GRCh38, 1-based): chr6:33,173,515, G>A on the plus strand (C>T on the coding strand, the complement: COL11A2 is on the minus strand). VCF-style: chr6-33173515-G-A. GRCh37 (hg19) VCF-style: chr6-33141292-G-A.
Other names: c.2348C>T, p.Pro783Leu (NM_080679.3); c.2411C>T, p.Pro804Leu (NM_080681.3); short protein forms P783L, P804L, P890L.
Identifiers: ClinVar variation 1306116 (VCV001306116.12), dbSNP rs764307090, ClinGen allele CA3750781.
Genomic context (GRCh38, chr6:33,173,515, plus strand): 5'-GAAGGACTCAGAGAAGCGAGGTGGGTCAGAGCTCGGGGTCAACTTACCGGGGGTCCTTTC[G>A]GTCCAGGAAACCCGTTGGGACCCTGAGGTCCAGGGAGGCCCTAGAGACAGAGGTGGGGGG-3'
Protein context (NP_542411.2, residues 880-900): GPQGPNGFPG[Pro890Leu]KGPPGPPGKD

ClinVar aggregate classification (germline): Conflicting classifications of pathogenicity. Review status: criteria provided, conflicting classifications (1 of 4 stars). 4 submissions from 4 submitters: Uncertain significance (3); Benign (1). Last evaluated 2025-11-12.

Conditions:
Inborn genetic diseases. Identifiers: MedGen C0950123, MeSH D030342.

Allele frequency attached by ClinVar (database versions not stated): gnomAD 0.00003.
gnomAD v4.1: 38 of 1,611,682 alleles (0.0024%); highest among the groups gnomAD compares: African/African-American, 0.023%; no homozygotes.

Submissions (4):

Labcorp Genetics (formerly Invitae), Labcorp
Classification: Benign. Last evaluated: 2025-11-12. Review status: criteria provided, single submitter. Criteria: Invitae Variant Classification Sherloc (09022015). Collection method: clinical testing. Allele origin: germline.

GeneDx
Classification: Uncertain significance. Last evaluated: 2025-04-14. Review status: criteria provided, single submitter. Criteria: GeneDx Variant Classification Process June 2021. Collection method: clinical testing. Allele origin: germline. Affected: yes.
Comment: Has not been previously published as pathogenic or benign to our knowledge; In silico analysis supports that this missense variant has a deleterious effect on protein structure/function

Ambry Genetics
Classification: Uncertain significance for Inborn genetic diseases. Last evaluated: 2023-05-10. Review status: criteria provided, single submitter. Criteria: Ambry Variant Classification Scheme 2023. Collection method: clinical testing. Allele origin: germline.

Blueprint Genetics
Classification: Uncertain significance. Last evaluated: 2022-08-13. Review status: criteria provided, single submitter. Criteria: ACMG Guidelines, 2015. Collection method: clinical testing. Allele origin: germline.